The following is an entry in ClinVar:

ClinVar aggregate classification (germline): Uncertain significance (1 of 4 stars; one submission).

Conditions:
Inborn genetic diseases. Identifiers: MedGen C0950123, MeSH D030342.

gnomAD v4.1: 2 of 1,614,010 alleles (0.00012%); highest among the groups gnomAD compares: Non-Finnish European, 0.000085%; no homozygotes.

Submission:

Ambry Genetics
Classification: Uncertain significance for Inborn genetic diseases. Last evaluated: 2025-09-29. Review status: criteria provided, single submitter. Criteria: Ambry Variant Classification Scheme 2023. Collection method: clinical testing. Allele origin: germline.
Comment: The p.T508R variant (also known as c.1523C>G), located in coding exon 16 of the FANCA gene, results from a C to G substitution at nucleotide position 1523. The threonine at codon 508 is replaced by arginine, an amino acid with similar properties. This amino acid position is conserved. In addition, the in silico prediction for this alteration is inconclusive. Based on the available evidence, the clinical significance of this variant remains unclear.

NM_000135.4(FANCA):c.1523C>G (p.Thr508Arg)

Gene: FANCA (FA complementation group A; minus strand). Cytogenetic location: 16q24.3.
Variant type: single nucleotide variant.
Coding change: c.1523C>G on transcript NM_000135.4 (MANE Select); coding-DNA position 1523, C replaced by G.
Protein change: p.Thr508Arg; replaces threonine 508 with arginine.
Molecular consequence: missense variant.
Genome position (GRCh38, 1-based): chr16:89,783,050, G>C on the plus strand (C>G on the coding strand, the complement: FANCA is on the minus strand). VCF-style: chr16-89783050-G-C. GRCh37 (hg19) VCF-style: chr16-89849458-G-C.
Other names: c.1523C>G, p.Thr508Arg (NM_001286167.3); short protein forms T508R.
Identifiers: ClinVar variation 4619183 (VCV004619183.1).
Genomic context (GRCh38, chr16:89,783,050, plus strand): 5'-ATGGAGGGACAGCTTGCCTTGAGGTCGGCCAGCCGTGTCTTGGCCAATGAGATGTAGTCT[G>C]TGAGGAGGGAGCGGTACTTGCCGGGAACCAGGGGTGGGTGGAGAATGTGCACCTGAGGAT-3'
Protein context (NP_000126.2, residues 498-518): LVPGKYRSLL[Thr508Arg]DYISLAKTRL